The following is an entry in ClinVar:

GRCh38/hg38 4p16.3-16.2(chr4:72555-5607083)x3

Genes: LRPAP1 (LDL receptor related protein associated protein 1; minus strand), LYAR (Ly1 antibody reactive; minus strand), MAEA (macrophage erythroblast attacher, E3 ubiquitin ligase; plus strand), MIR4800 (microRNA 4800; minus strand), MIR571 (microRNA 571; plus strand) and 332 more. Cytogenetic location: 4p16.3-16.2.
Variant type: copy number gain.
Change: copy number 3 (three copies instead of two) of chr4:72,555-5,607,083 (5.53 Mb, GRCh38 coordinates, 1-based), cytogenetic band 4p16.3-16.2.
Identifiers: ClinVar variation 58012 (VCV000058012.1).

ClinVar aggregate classification (germline): Pathogenic (1 of 4 stars; one submission).

Submission:

ISCA site 14
Classification: Pathogenic. Last evaluated: 2011-08-12. Review status: criteria provided, single submitter. Criteria: Kaminsky et al. (Genet Med. 2011). Collection method: clinical testing. Allele origin: unknown. Affected: yes. Observed: 1 variant allele.
Comment: Copy number variation identified through the course of routine clinical cytogenomic testing in postnatal populations. Clinical assertions have been curated as described in Kaminsky et al. 2011.